The following is an entry in ClinVar:

NM_144772.3(NAXE):c.468_478delinsATCCCTTTCCTTGGGG (p.Gln157fs)

Gene: NAXE (NAD(P)HX epimerase; plus strand). Cytogenetic location: 1q22.
Variant type: Indel.
Coding change: c.468_478delinsATCCCTTTCCTTGGGG on transcript NM_144772.3 (MANE Select); coding-DNA positions 468 to 478, CCAGTGTCAGA replaced by ATCCCTTTCCTTGGGG.
Protein change: p.Gln157fs; shifts the reading frame from glutamine 157.
Molecular consequence: frameshift variant.
Genome position (GRCh38, 1-based): chr1:156,592,622-156,592,632, CCAGTGTCAGA replaced by ATCCCTTTCCTTGGGG. VCF-style: chr1-156592622-CCAGTGTCAGA-ATCCCTTTCCTTGGGG. GRCh37 (hg19) VCF-style: chr1-156562414-CCAGTGTCAGA-ATCCCTTTCCTTGGGG.
Other names: short protein forms Q157fs.
Identifiers: ClinVar variation 423748 (VCV000423748.1), dbSNP rs1064796609, ClinGen allele CA16617005.

ClinVar aggregate classification (germline): Pathogenic (1 of 4 stars; one submission).

Submission:

GeneDx
Classification: Pathogenic. Last evaluated: 2017-02-13. Review status: criteria provided, single submitter. Criteria: GeneDx Variant Classification (06012015). Collection method: clinical testing. Allele origin: germline. Affected: yes.
Comment: The c.468_478del11ins16 variant in the NAXE gene has not been reported previously as a pathogenic variant nor as a benign variant, to our knowledge. The c.468_478del11ins16 variant causes a frameshift starting with codon Glutamine 157, changes this amino acid to a Serine residue, and creates a premature Stop codon at position 20 of the new reading frame, denoted p.Gln157SerfsX20. This variant is predicted to cause loss of normal protein function either through protein truncation or nonsense-mediated mRNA decay. The c.468_478del11ins16 variant is not observed in large population cohorts (Lek et al., 2016; 1000 Genomes Consortium et al., 2015; Exome Variant Server). We interpret c.468_478del11ins16 as a pathogenic variant.